The following is an entry in ClinVar:

NM_001127208.3(TET2):c.3481_3491del (p.Arg1161fs)

Genes: TET2 (tet methylcytosine dioxygenase 2; plus strand), TET2-AS1 (TET2 antisense RNA 1; minus strand). Cytogenetic location: 4q24.
Variant type: Deletion.
Coding change: c.3481_3491del on transcript NM_001127208.3 (MANE Select); coding-DNA positions 3481 to 3491, 11 bases deleted (AGAGAAATCAT).
Protein change: p.Arg1161fs; shifts the reading frame from arginine 1161.
Molecular consequence: frameshift variant. On other transcripts: 3 prime UTR variant (1).
Genome position (GRCh38, 1-based): chr4:105,241,410-105,241,420, AGAGAAATCAT deleted; deleting any 11 consecutive bases within chr4:105,241,409-105,241,420 gives the same sequence; the c. name uses the placement nearest the transcript's 3' end. VCF-style (leftmost placement, unchanged base first): chr4-105241408-TTAGAGAAATCA-T. GRCh37 (hg19) VCF-style: chr4-106162565-TTAGAGAAATCA-T.
Other names: c.*3970_*3980del (NM_017628.4); short protein forms R1161fs.
Identifiers: ClinVar variation 2761163 (VCV002761163.3), dbSNP rs2476527079, ClinGen allele CA2697546840.

ClinVar aggregate classification (germline): Pathogenic (1 of 4 stars; one submission).

Submission:

Labcorp Genetics (formerly Invitae), Labcorp
Classification: Pathogenic. Last evaluated: 2023-12-06. Review status: criteria provided, single submitter. Criteria: Invitae Variant Classification Sherloc (09022015). Collection method: clinical testing. Allele origin: germline.
Comment: This sequence change creates a premature translational stop signal (p.Arg1161Glyfs*9) in the TET2 gene. It is expected to result in an absent or disrupted protein product. Loss-of-function variants in TET2 are known to be pathogenic (PMID: 36066697). This variant is not present in population databases (gnomAD no frequency). This variant has not been reported in the literature in individuals affected with TET2-related conditions. For these reasons, this variant has been classified as Pathogenic.

Literature cited by the submitters: PubMed 36066697.